The following is an entry in ClinVar:

ClinVar aggregate classification (germline): Uncertain significance (1 of 4 stars; one submission).

Conditions:
Mitochondrial complex V (ATP synthase) deficiency, nuclear type 2. Also called: Nuclear-Encoded ATPase Deficiency, TMEM70-Related; MITOCHONDRIAL COMPLEX V (ATP SYNTHASE) DEFICIENCY, TMEM70 TYPE; ENCEPHALOCARDIOMYOPATHY, MITOCHONDRIAL, NEONATAL, DUE TO ATP SYNTHASE DEFICIENCY. Identifiers: Orphanet 1194, MedGen C3279699, MONDO:0013546, OMIM 614052.

gnomAD v4.1: 1 of 1,614,034 alleles (0.000062%); highest among the groups gnomAD compares: Non-Finnish European, 0.000085%; no homozygotes.

Submission:

Labcorp Genetics (formerly Invitae), Labcorp
Classification: Uncertain significance for Mitochondrial complex V (ATP synthase) deficiency, nuclear type 2. Last evaluated: 2024-07-03. Review status: criteria provided, single submitter. Criteria: Invitae Variant Classification Sherloc (09022015). Collection method: clinical testing. Allele origin: germline.
Comment: This sequence change replaces phenylalanine, which is neutral and non-polar, with leucine, which is neutral and non-polar, at codon 144 of the TMEM70 protein (p.Phe144Leu). This variant is not present in population databases (gnomAD no frequency). This variant has not been reported in the literature in individuals affected with TMEM70-related conditions. Advanced modeling of protein sequence and biophysical properties (such as structural, functional, and spatial information, amino acid conservation, physicochemical variation, residue mobility, and thermodynamic stability) performed at Invitae indicates that this missense variant is not expected to disrupt TMEM70 protein function with a negative predictive value of 80%. In summary, the available evidence is currently insufficient to determine the role of this variant in disease. Therefore, it has been classified as a Variant of Uncertain Significance.

NM_017866.6(TMEM70):c.432C>G (p.Phe144Leu)

Gene: TMEM70 (transmembrane protein 70; plus strand). Cytogenetic location: 8q21.11.
Variant type: single nucleotide variant.
Coding change: c.432C>G on transcript NM_017866.6 (MANE Select); coding-DNA position 432, C replaced by G.
Protein change: p.Phe144Leu; replaces phenylalanine 144 with leucine.
Molecular consequence: missense variant. On other transcripts: 3 prime UTR variant (1), non-coding transcript variant (1).
Genome position (GRCh38, 1-based): chr8:73,981,270, C>G. VCF-style: chr8-73981270-C-G. GRCh37 (hg19) VCF-style: chr8-74893505-C-G.
Other names: c.*122C>G (NM_001040613.3); short protein forms F144L.
Identifiers: ClinVar variation 3658572 (VCV003658572.2).